The following is an entry in ClinVar:

ClinVar aggregate classification (germline): Likely benign (1 of 4 stars; one submission).

Allele frequency attached by ClinVar (database versions not stated): TOPMed 0.00012; gnomAD exomes 0.00016; gnomAD 0.00017; ExAC 0.00022; ESP Exome Variant Server 0.00023.
gnomAD v4.1: 265 of 1,613,382 alleles (0.016%); highest among the groups gnomAD compares: Non-Finnish European, 0.015%; no homozygotes.

Submission:

CeGaT Center for Human Genetics Tuebingen
Classification: Likely benign. Last evaluated: 2025-07-01. Review status: criteria provided, single submitter. Criteria: CeGaT Center For Human Genetics Tuebingen Variant Classification Criteria Version 2. Collection method: clinical testing. Allele origin: germline. Affected: yes. Observed: 2 variant alleles.
Comment: NUP188: BP4, BP7

NM_015354.3(NUP188):c.1140T>C (p.Cys380=)

Gene: NUP188 (nucleoporin 188; plus strand). Cytogenetic location: 9q34.11.
Variant type: single nucleotide variant.
Coding change: c.1140T>C on transcript NM_015354.3 (MANE Select); coding-DNA position 1140, T replaced by C.
Protein change: p.Cys380=; no amino-acid change (cysteine 380 retained).
Molecular consequence: synonymous variant.
Genome position (GRCh38, 1-based): chr9:128,973,186, T>C. VCF-style: chr9-128973186-T-C. GRCh37 (hg19) VCF-style: chr9-131735465-T-C.
Identifiers: ClinVar variation 2659554 (VCV002659554.24), dbSNP rs148364986, ClinGen allele CA5272213.